The following is an entry in ClinVar:

NM_006158.5(NEFL):c.1315T>C (p.Phe439Leu)

Gene: NEFL (neurofilament light chain; minus strand). Cytogenetic location: 8p21.2.
Variant type: single nucleotide variant.
Coding change: c.1315T>C on transcript NM_006158.5 (MANE Select); coding-DNA position 1315, T replaced by C.
Protein change: p.Phe439Leu; replaces phenylalanine 439 with leucine.
Molecular consequence: missense variant.
Genome position (GRCh38, 1-based): chr8:24,953,650, A>G on the plus strand (T>C on the coding strand, the complement: NEFL is on the minus strand). VCF-style: chr8-24953650-A-G. GRCh37 (hg19) VCF-style: chr8-24811164-A-G.
Other names: short protein forms F439L.
Identifiers: ClinVar variation 1371426 (VCV001371426.6), dbSNP rs199775873, ClinGen allele CA370620201.

ClinVar aggregate classification (germline): Uncertain significance (1 of 4 stars; one submission).

Conditions:
Charcot-Marie-Tooth disease type 2E (CMT2E). Also called: CHARCOT-MARIE-TOOTH NEUROPATHY, TYPE 2E; CHARCOT-MARIE-TOOTH DISEASE, AXONAL, TYPE 2E. Identifiers: Orphanet 99939, MedGen C1843225, MONDO:0011894, OMIM 607684.

Submission:

Labcorp Genetics (formerly Invitae), Labcorp
Classification: Uncertain significance for Charcot-Marie-Tooth disease type 2E. Last evaluated: 2021-07-31. Review status: criteria provided, single submitter. Criteria: Invitae Variant Classification Sherloc (09022015). Collection method: clinical testing. Allele origin: germline.
Comment: This sequence change replaces phenylalanine with leucine at codon 439 of the NEFL protein (p.Phe439Leu). The phenylalanine residue is highly conserved and there is a small physicochemical difference between phenylalanine and leucine. This variant is not present in population databases (ExAC no frequency). This variant has not been reported in the literature in individuals affected with NEFL-related conditions. Experimental studies and prediction algorithms are not available or were not evaluated, and the functional significance of this variant is currently unknown. In summary, the available evidence is currently insufficient to determine the role of this variant in disease. Therefore, it has been classified as a Variant of Uncertain Significance.